The following is an entry in ClinVar:

ClinVar aggregate classification (germline): Uncertain significance (1 of 4 stars; one submission).

Conditions:
Developmental and epileptic encephalopathy 94 (DEE94). Also called: CHD2-Related Neurodevelopmental Disorders; Epileptic encephalopathy, childhood-onset. Identifiers: Orphanet 1942, Orphanet 2382, MedGen C3809278, MONDO:0014150, OMIM 615369.

Submission:

Labcorp Genetics (formerly Invitae), Labcorp
Classification: Uncertain significance for Developmental and epileptic encephalopathy 94. Last evaluated: 2025-11-27. Review status: criteria provided, single submitter. Criteria: Invitae Variant Classification Sherloc (09022015). Collection method: clinical testing. Allele origin: germline.
Comment: This sequence change replaces glutamic acid, which is acidic and polar, with aspartic acid, which is acidic and polar, at codon 1289 of the CHD2 protein (p.Glu1289Asp). This variant is not present in population databases (gnomAD no frequency). This variant has not been reported in the literature in individuals affected with CHD2-related conditions. ClinVar contains an entry for this variant (Variation ID: 1384296). Invitae Evidence Modeling of protein sequence and biophysical properties (such as structural, functional, and spatial information, amino acid conservation, physicochemical variation, residue mobility, and thermodynamic stability) indicates that this missense variant is not expected to disrupt CHD2 protein function with a negative predictive value of 95%. In summary, the available evidence is currently insufficient to determine the role of this variant in disease. Therefore, it has been classified as a Variant of Uncertain Significance.

NM_001271.4(CHD2):c.3867G>C (p.Glu1289Asp)

Gene: CHD2 (chromodomain helicase DNA binding protein 2; plus strand). Cytogenetic location: 15q26.1.
Variant type: single nucleotide variant.
Coding change: c.3867G>C on transcript NM_001271.4 (MANE Select); coding-DNA position 3867, G replaced by C.
Protein change: p.Glu1289Asp; replaces glutamic acid 1289 with aspartic acid.
Molecular consequence: missense variant.
Genome position (GRCh38, 1-based): chr15:92,997,385, G>C. VCF-style: chr15-92997385-G-C. GRCh37 (hg19) VCF-style: chr15-93540615-G-C.
Other names: short protein forms E1289D.
Identifiers: ClinVar variation 1384296 (VCV001384296.6), dbSNP rs1358081390, ClinGen allele CA393898779.
Genomic context (GRCh38, chr15:92,997,385, plus strand): 5'-GTTGCTGGGGATTTATGAACATGGCTATGGAAACTGGGAGTTAATTAAAACAGACCCAGA[G>C]CTTAAATTAACTGACAAAGTAAGTAACCCTACCATGCTAGAGATTTCTAGAAGATTTGTT-3'
Protein context (NP_001262.3, residues 1279-1299): GNWELIKTDP[Glu1289Asp]LKLTDKILPV